The following is an entry in ClinVar:

NM_005173.4(ATP2A3):c.904C>T (p.Leu302=)

Gene: ATP2A3 (ATPase sarcoplasmic/endoplasmic reticulum Ca2+ transporting 3; minus strand). Cytogenetic location: 17p13.2.
Variant type: single nucleotide variant.
Coding change: c.904C>T on transcript NM_005173.4 (MANE Select); coding-DNA position 904, C replaced by T.
Protein change: p.Leu302=; no amino-acid change (leucine 302 retained).
Molecular consequence: synonymous variant.
Genome position (GRCh38, 1-based): chr17:3,947,582, G>A on the plus strand (C>T on the coding strand, the complement: ATP2A3 is on the minus strand). VCF-style: chr17-3947582-G-A. GRCh37 (hg19) VCF-style: chr17-3850876-G-A.
Other names: c.904C>T, p.Leu302= (NM_174953.3, NM_174954.3, NM_174955.3 and 3 more transcripts).
Identifiers: ClinVar variation 3042177 (VCV003042177.2), dbSNP rs9915542, ClinGen allele CA8297370.

ClinVar aggregate classification (germline): Benign (0 of 4 stars; one submission).

Conditions:
ATP2A3-related disorder. Also called: ATP2A3-related condition.

Allele frequency attached by ClinVar (database versions not stated): gnomAD exomes 0.00064; ExAC 0.00196; ESP Exome Variant Server 0.00585; gnomAD 0.00668; TOPMed 0.00790; 1000 Genomes Project 0.00919; 1000 Genomes Project 30x 0.01046.

Submission:

PreventionGenetics, part of Exact Sciences
Classification: Benign for ATP2A3-related condition. Last evaluated: 2019-02-21. Review status: no assertion criteria provided. Collection method: clinical testing. Allele origin: germline.
Comment: This variant is classified as benign based on ACMG/AMP sequence variant interpretation guidelines (Richards et al. 2015 PMID: 25741868, with internal and published modifications).